The following is an entry in ClinVar:

ClinVar aggregate classification (germline): Uncertain significance. Review status: criteria provided, multiple submitters, no conflicts (2 of 4 stars). 2 submissions from 2 submitters: Uncertain significance (2). Last evaluated 2021-07-13.

Allele frequency attached by ClinVar (database versions not stated): TOPMed below 0.00001.
gnomAD v4.1: 10 of 1,211,514 alleles (0.00083%); highest among the groups gnomAD compares: Non-Finnish European, 0.0011%; no homozygotes.

Submissions (2):

Ambry Genetics
Classification: Uncertain significance. Last evaluated: 2021-07-13. Review status: criteria provided, single submitter. Criteria: Ambry Variant Classification Scheme 2023. Collection method: clinical testing. Allele origin: germline.

GeneDx
Classification: Uncertain significance. Last evaluated: 2018-02-14. Review status: criteria provided, single submitter. Criteria: GeneDx Variant Classification (06012015). Collection method: clinical testing. Allele origin: germline. Affected: yes.
Comment: The R150G variant has not been published as a pathogenic variant, nor has it been reported as a benign variant to our knowledge. The R150G variant is not observed in large population cohorts (Lek et al., 2016; 1000 Genomes Consortium et al., 2015; Exome Variant Server). The R150G variant is a non-conservative amino acid substitution, which is likely to impact secondary protein structure as these residues differ in polarity, charge, size and/or other properties. This substitution occurs at a position that is conserved across species, and in silico analysis predicts this variant is probably damaging tothe protein structure/function. In summary, based on the currently available information, it is unclear whether this variant is a pathogenic variant or a rare benign variant.

NM_001079855.2(GYG2):c.355A>G (p.Arg119Gly)

Gene: GYG2 (glycogenin 2; plus strand). Cytogenetic location: Xp22.33.
Variant type: single nucleotide variant.
Coding change: c.355A>G on transcript NM_001079855.2 (MANE Select); coding-DNA position 355, A replaced by G.
Protein change: p.Arg119Gly; replaces arginine 119 with glycine.
Molecular consequence: missense variant. On other transcripts: 5 prime UTR variant (1).
Genome position (GRCh38, 1-based): chrX:2,855,023, A>G. VCF-style: chrX-2855023-A-G. GRCh37 (hg19) VCF-style: chrX-2773064-A-G.
Other names: c.355A>G, p.Arg119Gly (NM_001184702.2); c.448A>G, p.Arg150Gly (NM_001184703.2, NM_003918.3); c.-111A>G (NM_001184704.2); short protein forms R150G, R119G.
Identifiers: ClinVar variation 430115 (VCV000430115.4), dbSNP rs1051778653, ClinGen allele CA325965785.
Genomic context (GRCh38, chrX:2,855,023, plus strand): 5'-CGGCGGGTTCTGCGTGTTTTGCTTCACCAGGTGCTGTCCAATGTCGATGAGCTGTTTGAC[A>G]GGGGAGAGTTTTCTGCGGCCCCGGACCCCGGATGGCCGGATTGCTTCAATAGCGGGGTGT-3'
Protein context (NP_001073324.1, residues 109-129): VLSNVDELFD[Arg119Gly]GEFSAAPDPG